The following is an entry in ClinVar:

NM_001377229.1(DISP1):c.2697G>C (p.Arg899Ser)

Gene: DISP1 (dispatched RND transporter family member 1; plus strand). Cytogenetic location: 1q41.
Variant type: single nucleotide variant.
Coding change: c.2697G>C on transcript NM_001377229.1 (MANE Select); coding-DNA position 2697, G replaced by C.
Protein change: p.Arg899Ser; replaces arginine 899 with serine.
Molecular consequence: missense variant.
Genome position (GRCh38, 1-based): chr1:223,004,094, G>C. VCF-style: chr1-223004094-G-C. GRCh37 (hg19) VCF-style: chr1-223177436-G-C.
Other names: c.1968G>C, p.Arg656Ser (NM_001350630.2); c.2697G>C, p.Arg899Ser (NM_001369594.1, NM_001377228.1, NM_032890.5); short protein forms R899S, R656S.
Identifiers: ClinVar variation 2053006 (VCV002053006.4), dbSNP rs1217272059, ClinGen allele CA344682762.

ClinVar aggregate classification (germline): Uncertain significance (1 of 4 stars; one submission).

Allele frequency attached by ClinVar (database versions not stated): gnomAD exomes below 0.00001; TOPMed 0.00001.
gnomAD v4.1: 2 of 1,614,170 alleles (0.00012%); highest among the groups gnomAD compares: Admixed American, 0.0033%; no homozygotes.

Submission:

Labcorp Genetics (formerly Invitae), Labcorp
Classification: Uncertain significance. Last evaluated: 2026-01-19. Review status: criteria provided, single submitter. Criteria: Invitae Variant Classification Sherloc (09022015). Collection method: clinical testing. Allele origin: germline.
Comment: This sequence change replaces arginine, which is basic and polar, with serine, which is neutral and polar, at codon 899 of the DISP1 protein (p.Arg899Ser). This variant is present in population databases (no rsID available, gnomAD 0.003%). This variant has not been reported in the literature in individuals affected with DISP1-related conditions. ClinVar contains an entry for this variant (Variation ID: 2053006). An algorithm developed to predict the effect of missense changes on protein structure and function (PolyPhen-2) suggests that this variant is likely to be disruptive. In summary, the available evidence is currently insufficient to determine the role of this variant in disease. Therefore, it has been classified as a Variant of Uncertain Significance.